The following is an entry in ClinVar:

NM_000313.4(PROS1):c.1762A>G (p.Thr588Ala)

Gene: PROS1 (protein S; minus strand). Cytogenetic location: 3q11.1.
Variant type: single nucleotide variant.
Coding change: c.1762A>G on transcript NM_000313.4 (MANE Select); coding-DNA position 1762, A replaced by G.
Protein change: p.Thr588Ala; replaces threonine 588 with alanine.
Molecular consequence: missense variant.
Genome position (GRCh38, 1-based): chr3:93,877,074, T>C on the plus strand (A>G on the coding strand, the complement: PROS1 is on the minus strand). VCF-style: chr3-93877074-T-C. GRCh37 (hg19) VCF-style: chr3-93595918-T-C.
Other names: c.1858A>G, p.Thr620Ala (NM_001314077.2); short protein forms T588A, T620A.
Identifiers: ClinVar variation 161344 (VCV000161344.18), dbSNP rs142846443, ClinGen allele CA211737.
Genomic context (GRCh38, chr3:93,877,074, plus strand): 5'-CCAAGACGGCAAGTTGTCTTTGAAGGTCTTCATGGGAGATGGTTTCTATTTTAAGTGGTG[T>C]CGACAACTCCAGATTGTTTCTGTTGACTCTAAATTCCAGATGAGATTGTTGATCGGAACA-3'
Protein context (NP_000304.2, residues 578-598): RVNRNNLELS[Thr588Ala]PLKIETISHE

ClinVar aggregate classification (germline): Conflicting classifications of pathogenicity. Review status: criteria provided, conflicting classifications (1 of 4 stars). 5 submissions from 5 submitters: Uncertain significance (1); Benign (1). 3 of the submissions do not count toward it. Last evaluated 2026-02-03.

Conditions:
PROS1-related disorder. Also called: PROS1-related condition.
Thrombophilia due to protein S deficiency, autosomal dominant (THPH5). Identifiers: Orphanet 26349, Orphanet 743, MedGen C3278211, MONDO:0012868, OMIM 612336. Disease mechanism: loss of function.
Thrombophilia due to protein S deficiency, autosomal recessive (THPH6). Identifiers: Orphanet 743, MedGen C3281092, MONDO:0013791, OMIM 614514. Disease mechanism: loss of function.

Allele frequency attached by ClinVar (database versions not stated): gnomAD exomes 0.00080 and 0.00039; ESP Exome Variant Server 0.00092; gnomAD 0.00042 and 0.00043; TOPMed 0.00048; ExAC 0.00063.
gnomAD v4.1: 703 of 1,613,310 alleles (0.044%); highest among the groups gnomAD compares: Middle Eastern, 0.033%; 3 homozygotes.

Submissions (5):

Labcorp Genetics (formerly Invitae), Labcorp
Classification: Benign for Thrombophilia due to protein S deficiency, autosomal recessive. Last evaluated: 2026-02-03. Review status: criteria provided, single submitter. Criteria: Invitae Variant Classification Sherloc (09022015). Collection method: clinical testing. Allele origin: germline.

Illumina Laboratory Services, Illumina
Classification: Uncertain significance for Thrombophilia due to protein S deficiency, autosomal dominant. Last evaluated: 2017-04-27. Review status: criteria provided, single submitter. Criteria: ICSL Variant Classification Criteria 13 December 2019. Collection method: clinical testing. Allele origin: germline.
Comment: This variant was observed as part of a predisposition screen in an ostensibly healthy population. A literature search was performed for the gene, cDNA change, and amino acid change (where applicable). Publications were found based on this search. However, the evidence from the literature, in combination with allele frequency data from public databases where available, was not sufficient to rule this variant in or out of causing disease. Therefore, this variant is classified as a variant of unknown significance.

Department of Transfusion Medicine and Hemostaseology, University Hospital Erlangen
Classification: Uncertain significance for Thrombophilia due to protein S deficiency, autosomal dominant. Last evaluated: 2025-09-01. Review status: no assertion criteria provided. Collection method: clinical testing. Allele origin: germline. Not counted in ClinVar's aggregate classification.
Comment: This variant was identified during a screening of patients with suspected hereditary Protein S deficiency. Currently, no literature is available describing this variant and according to dbSNP it represents a very rare genetic alteration, previously detected in the European population in both heterozygous and homozygous state according to the Allele Frequency Aggregator dataset. Several in silico variant effect prediction tools (PolyPhen-2, SIFT, AlphaMissense) classify this variant as likely benign. Taken together we classified this variant as of uncertain significance.

PreventionGenetics, part of Exact Sciences
Classification: Likely benign for PROS1-related condition. Last evaluated: 2023-07-25. Review status: no assertion criteria provided. Collection method: clinical testing. Allele origin: germline. Not counted in ClinVar's aggregate classification.
Comment: This variant is classified as likely benign based on ACMG/AMP sequence variant interpretation guidelines (Richards et al. 2015 PMID: 25741868, with internal and published modifications).

CSER _CC_NCGL, University of Washington
Classification: Uncertain significance for Protein S deficiency. Last evaluated: 2014-06-01. Review status: no assertion criteria provided. Collection method: research. Allele origin: germline. Inheritance: Autosomal dominant inheritance. Study: ESP 6500 variant annotation. Not counted in ClinVar's aggregate classification.
Comment: Variants classified for the Actionable exomic incidental findings in 6503 participants: challenges of variant classification manuscript

Literature cited by the submitters: PubMed 24055113 (cited by Illumina Laboratory Services, Illumina); PubMed 25637381 (cited by Illumina Laboratory Services, Illumina).